The following is an entry in ClinVar:

ClinVar aggregate classification (germline): Likely benign (1 of 4 stars; one submission).

gnomAD v4.1: 62 of 1,550,620 alleles (0.004%); highest among the groups gnomAD compares: Admixed American, 0.018%; no homozygotes.

Submission:

CeGaT Center for Human Genetics Tuebingen
Classification: Likely benign. Last evaluated: 2022-07-01. Review status: criteria provided, single submitter. Criteria: CeGaT Center For Human Genetics Tuebingen Variant Classification Criteria Version 2. Collection method: clinical testing. Allele origin: germline. Affected: yes. Observed: 1 variant allele.
Comment: CFAP46: BP4, BP7

NM_001200049.3(CFAP46):c.5091G>A (p.Thr1697=)

Gene: CFAP46 (cilia and flagella associated protein 46; minus strand). Cytogenetic location: 10q26.3.
Variant type: single nucleotide variant.
Coding change: c.5091G>A on transcript NM_001200049.3 (MANE Select); coding-DNA position 5091, G replaced by A.
Protein change: p.Thr1697=; no amino-acid change (threonine 1697 retained).
Molecular consequence: synonymous variant.
Genome position (GRCh38, 1-based): chr10:132,860,782, C>T on the plus strand (G>A on the coding strand, the complement: CFAP46 is on the minus strand). VCF-style: chr10-132860782-C-T. GRCh37 (hg19) VCF-style: chr10-134674286-C-T.
Identifiers: ClinVar variation 2640982 (VCV002640982.24), dbSNP rs78376398, ClinGen allele CA5757395.